The following is an entry in ClinVar:

ClinVar aggregate classification (germline): Likely benign (0 of 4 stars; one submission).

Conditions:
PLXNA1-related disorder. Also called: PLXNA1-related condition.

Submission:

PreventionGenetics, part of Exact Sciences
Classification: Likely benign for PLXNA1-related condition. Last evaluated: 2022-09-23. Review status: no assertion criteria provided. Collection method: clinical testing. Allele origin: germline.
Comment: This variant is classified as likely benign based on ACMG/AMP sequence variant interpretation guidelines (Richards et al. 2015 PMID: 25741868, with internal and published modifications).

NM_032242.4(PLXNA1):c.2256G>A (p.Pro752=)

Gene: PLXNA1 (plexin A1; plus strand). Cytogenetic location: 3q21.3.
Variant type: single nucleotide variant.
Coding change: c.2256G>A on transcript NM_032242.4 (MANE Select); coding-DNA position 2256, G replaced by A.
Protein change: p.Pro752=; no amino-acid change (proline 752 retained).
Molecular consequence: synonymous variant.
Genome position (GRCh38, 1-based): chr3:127,012,101, G>A. VCF-style: chr3-127012101-G-A. GRCh37 (hg19) VCF-style: chr3-126730944-G-A.
Identifiers: ClinVar variation 3357723 (VCV003357723.1).